The following is an entry in ClinVar:

ClinVar aggregate classification (germline): Pathogenic (1 of 4 stars; one submission).

Submission:

Labcorp Genetics (formerly Invitae), Labcorp
Classification: Pathogenic. Last evaluated: 2020-05-20. Review status: criteria provided, single submitter. Criteria: Invitae Variant Classification Sherloc (09022015). Collection method: clinical testing. Allele origin: germline.
Comment: For these reasons, this variant has been classified as Pathogenic. Loss-of-function variants in ELP1 are known to be pathogenic (PMID: 18303054, 24173031). This variant has not been reported in the literature in individuals with ELP1-related conditions. This variant is not present in population databases (ExAC no frequency). This sequence change creates a premature translational stop signal (p.Leu881*) in the ELP1 gene. It is expected to result in an absent or disrupted protein product.

Literature cited by the submitters: PubMed 18303054; PubMed 24173031.

NM_003640.5(ELP1):c.2642T>A (p.Leu881Ter)

Gene: ELP1 (elongator acetyltransferase complex subunit 1; minus strand). Cytogenetic location: 9q31.3.
Variant type: single nucleotide variant.
Coding change: c.2642T>A on transcript NM_003640.5 (MANE Select); coding-DNA position 2642, T replaced by A.
Protein change: p.Leu881Ter; replaces leucine 881 with a stop codon.
Molecular consequence: nonsense.
Genome position (GRCh38, 1-based): chr9:108,896,590, A>T on the plus strand (T>A on the coding strand, the complement: ELP1 is on the minus strand). VCF-style: chr9-108896590-A-T. GRCh37 (hg19) VCF-style: chr9-111658870-A-T.
Other names: c.2300T>A, p.Leu767Ter (NM_001318360.2); c.1595T>A, p.Leu532Ter (NM_001330749.2); short protein forms L532*, L767*, L881*.
Identifiers: ClinVar variation 1069633 (VCV001069633.7), dbSNP rs2131980225, ClinGen allele CA374420002.